The following is an entry in ClinVar:

ClinVar aggregate classification (germline): Conflicting classifications of pathogenicity. Review status: criteria provided, conflicting classifications (1 of 4 stars). 16 submissions from 16 submitters: Pathogenic (7); Likely pathogenic (6); Uncertain significance (1). 2 of the submissions do not count toward it. Last evaluated 2026-05-13.

Conditions:
ACADSB-related disorder. Also called: ACADSB-related condition.
Deficiency of 2-methylbutyryl-CoA dehydrogenase (ACADSB). Also called: 2-methylbutyrylglycinuria; 2-methylbutyryl-CoA dehydrogenase deficiency; SBCAD deficiency; 2-methylbutyric aciduria; Short branched-chain acyl-CoA dehydrogenase deficiency. Identifiers: Orphanet 79157, MedGen C1864912, MONDO:0012392, OMIM 610006, HP:0020147.

Allele frequency attached by ClinVar (database versions not stated): gnomAD exomes 0.00025 and 0.00044; ExAC 0.00027; TOPMed 0.00035; gnomAD 0.00036 and 0.00037; ESP Exome Variant Server 0.00062.
gnomAD v4.1: 678 of 1,556,270 alleles (0.044%); highest among the groups gnomAD compares: Non-Finnish European, 0.056%; 1 homozygote.

Submissions 1 to 9 of 16:

PreventionGenetics, part of Exact Sciences
Classification: Likely pathogenic for ACADSB-related condition. Last evaluated: 2026-05-13. Review status: criteria provided, single submitter. Criteria: ACMG Guidelines, 2015. Collection method: clinical testing. Allele origin: germline.
Comment: The ACADSB c.303+1G>A variant is predicted to disrupt the GT donor site and interfere with normal splicing. This variant has been reported in the homozygous state in an individual who presented with an abnormal newborn screening result but was otherwise asymptomatic (IVS3+1G>A in Alfardan et al. 2010. PubMed ID: 20547083). This variant has also been reported in the homozygous state in two additional individuals who were asymptomatic for 2-methylbutyrylglycinuria; however, biometric screening results were not provided (Spedicati et al. 2021. PubMed ID: 33727708). This variant is reported in 0.049% of alleles in individuals of European (Non-Finnish) descent in gnomAD. Variants that disrupt the consensus splice donor site in ACADSB are expected to be pathogenic. In summary, this variant is interpreted as likely pathogenic.

Labcorp Genetics (formerly Invitae), Labcorp
Classification: Pathogenic for Deficiency of 2-methylbutyryl-CoA dehydrogenase. Last evaluated: 2026-01-12. Review status: criteria provided, single submitter. Criteria: Invitae Variant Classification Sherloc (09022015). Collection method: clinical testing. Allele origin: germline.
Comment: This sequence change affects a donor splice site in intron 3 of the ACADSB gene. It is expected to disrupt RNA splicing. Variants that disrupt the donor or acceptor splice site typically lead to a loss of protein function (PMID: 16199547), and loss-of-function variants in ACADSB are known to be pathogenic (PMID: 20547083, 26284228). This variant is present in population databases (rs147936696, gnomAD 0.05%). Disruption of this splice site has been observed in individuals with short/branched chain acyl-CoA dehydrogenase (SBCAD) deficiency (PMID: 20547083). This variant is also known as IVS3+1G>A. ClinVar contains an entry for this variant (Variation ID: 203367). Algorithms developed to predict the effect of sequence changes on RNA splicing suggest that this variant may disrupt the consensus splice site. For these reasons, this variant has been classified as Pathogenic.

Variantyx, Inc.
Classification: Pathogenic for Deficiency of 2-methylbutyryl-CoA dehydrogenase. Last evaluated: 2025-09-10. Review status: criteria provided, single submitter. Criteria: Variantyx Assertion Criteria 2022. Collection method: clinical testing. Allele origin: germline. Inheritance: Autosomal recessive inheritance. Affected: no.
Comment: This is a canonical splicing variant in the ACADSB gene (OMIM: 600301). Pathogenic variants in this gene have been associated with autosomal recessive 2 methylbutyryl CoA dehydrogenase deficiency. This splicing variant is expected to result in loss of function, which is a known disease mechanism for ACADSB in this disorder (PVS1). It has been identified in the homozygous or compound heterozygous state in at least 2 individuals reported in the published literature (PMID: 20547083) (PM3). This variant has a 0.0557% maximum allele frequency in non-founder control populations (PM2). Based on the current evidence, this variant is classified as pathogenic for autosomal recessive 2 methylbutyryl CoA dehydrogenase deficiency.No other variant of clinical significance was identified in the ACADSB gene.

GeneDx
Classification: Pathogenic. Last evaluated: 2025-04-23. Review status: criteria provided, single submitter. Criteria: GeneDx Variant Classification Process June 2021. Collection method: clinical testing. Allele origin: germline. Affected: yes.
Comment: Canonical splice site variant predicted to result in a null allele in a gene for which loss of function is a known mechanism of disease; This variant is associated with the following publications: (PMID: 31980526, 31589614, 33727708, 20547083, 34493867)

Women's Health and Genetics/Laboratory Corporation of America, LabCorp
Classification: Pathogenic for Deficiency of 2-methylbutyryl-CoA dehydrogenase. Last evaluated: 2025-01-24. Review status: criteria provided, single submitter. Criteria: LabCorp Variant Classification Summary - May 2015. Collection method: clinical testing. Allele origin: germline.
Comment: Variant summary: ACADSB c.303+1G>A (also described as IVS3+1G>A in the literature) is located in a canonical splice-site and is predicted to affect mRNA splicing resulting in a significantly altered protein due to either exon skipping, shortening, or inclusion of intronic material. Variants that disrupt the consensus splice site are a relatively common cause of aberrant splicing and loss of ACADSB function. Several computational tools predict a significant impact on normal splicing: One predict the variant abolishes a 5 splicing donor site. However, these predictions have yet to be confirmed by functional studies. The variant allele was found at a frequency of 0.00025 in 251174 control chromosomes (gnomAD). This frequency is not significantly higher than estimated for a pathogenic variant in ACADSB causing Deficiency of 2-methylbutyryl-CoA Dehydrogenase (0.00025 vs 0.0011), allowing no conclusion about variant significance. c.303+1G>A has been reported in the literature in two homozygous individuals (an asymptomatic infant and a symptomatic individual) with deficiency of 2-methylbutyryl-CoA Dehydrogenase (Alfardan_2010). It has also been reported in the homozygous state in 2 siblings without clinical symptoms (Spedicati_2021). These data indicate that the variant may be associated with disease. The following publications have been ascertained in the context of this evaluation (PMID: 20547083, 31980526, 33727708). ClinVar contains an entry for this variant (Variation ID: 203367). Based on the evidence outlined above, the variant was classified as pathogenic.

Blueprint Genetics
Classification: Pathogenic for ACADSB-related disorders. Last evaluated: 2024-11-21. Review status: criteria provided, single submitter. Criteria: ACMG Guidelines, 2015. Collection method: clinical testing. Allele origin: germline. Affected: yes. Observed: 5 variant alleles.

Laboratory for Molecular Medicine, Mass General Brigham Personalized Medicine
Classification: Pathogenic for Deficiency of 2-methylbutyryl-CoA dehydrogenase. Last evaluated: 2024-02-22. Review status: criteria provided, single submitter. Criteria: ACMG Guidelines, 2015. Collection method: clinical testing. Allele origin: germline. Inheritance: Autosomal recessive inheritance.
Comment: The c.303+1G>A variant in ACADSB has been reported in the homozygous state in 2 individual with short/branched chain acyl-CoA dehydrogenase (SBCAD) deficiency; both showed the biochemical phenotype but only one showed clinical symptoms (Alfardan 2010 PMID: 20547083). It has also been reported in the homozygous state in 2 siblings without clinical symptoms (Spedicati 2021 PMID: 33727708). It has been identified in 0.056% (628/1127804) of European (non-Finnish) chromosomes, including 1 homozygote, by gnomAD (v4.0.0). This variant occurs within the canonical splice site (+/- 1,2) and is predicted to cause altered splicing leading to an abnormal or absent protein. Computational prediction tools and conservation analyses are consistent with pathogenicity. Biallelic loss-of-function of the ACADSB gene is an established disease mechanism in autosomal recessive SBCAD deficiency. SBCAD deficiency results in a biochemical phenotype that be detected from birth; however, the clinical significance of this is unclear. 90% of individuals with SBCAD deficiency have no clinical symptoms, and the remaining 10% may display developmental delay and/or neurological disorders. These 10% of individuals may represent extreme end of the clinical spectrum or coincidental findings (Porta 2019 PMID: 30730842, Alfardan 2010 PMID: 20547083). In summary, this variant meets criteria to be classified as pathogenic for autosomal recessive SBCAD deficiency. ACMG/AMP Criteria applied: PVS1, PM3_Supporting.

Clinical Genomics Laboratory, Washington University in St. Louis
Classification: Likely pathogenic for Deficiency of 2-methylbutyryl-CoA dehydrogenase. Last evaluated: 2024-02-15. Review status: criteria provided, single submitter. Criteria: ACMG Guidelines, 2015. Collection method: clinical testing. Allele origin: germline.
Comment: The ACADSB c.303+1G>A variant, also known as IVS3+1G>A, has been reported in the homozygous state in two individuals, one individual with a clinical diagnosis of methylbutyryl-CoA dehydrogenase deficiency and the other individual identified by newborn screening (Alfardan J et al., PMID: 20547083). This variant has been reported in the ClinVar database as a germline pathogenic or likely pathogenic variant by eight submitters. This variant is only observed on 77/282,550 alleles in the general population (gnomAD v.2.1.1), indicating it is not a common variant. This variant occurs within the canonical splice donor site, which is predicted to cause skipping of the exon, leading to an out of frame transcript. Based on available information and the ACMG/AMP guidelines for variant interpretation (Richards S et al., PMID: 25741868), this variant is classified as likely pathogenic.

Fulgent Genetics
Classification: Likely pathogenic for Deficiency of 2-methylbutyryl-CoA dehydrogenase. Last evaluated: 2024-01-08. Review status: criteria provided, single submitter. Criteria: ACMG Guidelines, 2015. Collection method: clinical testing. Allele origin: germline.

NM_001609.4(ACADSB):c.303+1G>A

Gene: ACADSB (acyl-CoA dehydrogenase short/branched chain; plus strand). Cytogenetic location: 10q26.13.
Variant type: single nucleotide variant.
Coding change: c.303+1G>A on transcript NM_001609.4 (MANE Select); the canonical splice donor site of the intron after coding-DNA position 303, G replaced by A.
Molecular consequence: splice donor variant. On other transcripts: intron variant (1).
Genome position (GRCh38, 1-based): chr10:123,037,848, G>A. VCF-style: chr10-123037848-G-A. GRCh37 (hg19) VCF-style: chr10-124797364-G-A.
Other names: rs147936696; IVS3DS, A-G, +1; c.-3-2618G>A (NM_001330174.3).
Identifiers: ClinVar variation 203367 (VCV000203367.79), dbSNP rs147936696, ClinGen allele CA203873.
Genomic context (GRCh38, chr10:123,037,848, plus strand): 5'-ACCATGGATGAAAATTCGAAAATGGAGAAATCAGTAATACAAGGATTATTTCAACAAGGG[G>A]TACATTTCATAATTCTTCCACTTTCAAGCTTCTATAATTAAATTCAGGGACTGTAATGAT-3'